The following is an entry in ClinVar:

NM_000051.4(ATM):c.8013G>A (p.Val2671=)

Genes: ATM (ATM serine/threonine kinase; plus strand), C11orf65 (chromosome 11 open reading frame 65; minus strand). Cytogenetic location: 11q22.3.
Variant type: single nucleotide variant.
Coding change: c.8013G>A on transcript NM_000051.4 (MANE Select); coding-DNA position 8013, G replaced by A.
Protein change: p.Val2671=; no amino-acid change (valine 2671 retained).
Molecular consequence: synonymous variant. On other transcripts: intron variant (2).
Genome position (GRCh38, 1-based): chr11:108,334,971, G>A. VCF-style: chr11-108334971-G-A. GRCh37 (hg19) VCF-style: chr11-108205698-G-A.
Other names: c.8013G>A, p.Val2671= (NM_001351834.2); c.641-25900C>T (NM_001330368.2); c.*38+249C>T (NM_001351110.2).
Identifiers: ClinVar variation 3325087 (VCV003325087.3).

ClinVar aggregate classification (germline): Uncertain significance. Review status: criteria provided, multiple submitters, no conflicts (2 of 4 stars). 2 submissions from 2 submitters: Uncertain significance (2). Last evaluated 2024-04-08.

Conditions:
Ataxia-telangiectasia syndrome (AT). Also called: Ataxia-telangiectasia; Ataxia-telangiectasia, complementation group D; AT, COMPLEMENTATION GROUP C; Ataxia-telangiectasia, complementation group E; LOUIS-BAR SYNDROME; Cerebello-oculocutaneous telangiectasia. Identifiers: Orphanet 100, MedGen C0004135, MONDO:0008840, OMIM 208900.
Hereditary cancer-predisposing syndrome. Also called: Neoplastic Syndromes, Hereditary; Tumor predisposition; Hereditary Cancer Syndrome; Hereditary neoplastic syndrome. Identifiers: Orphanet 140162, MedGen C0027672, MeSH D009386, MONDO:0015356.

gnomAD v4.1: 1 of 1,612,376 alleles (0.000062%); highest among the groups gnomAD compares: Non-Finnish European, 0.000085%; no homozygotes.

Submissions (2):

Ambry Genetics
Classification: Uncertain significance for Hereditary cancer-predisposing syndrome. Last evaluated: 2024-04-08. Review status: criteria provided, single submitter. Criteria: Ambry Variant Classification Scheme 2023. Collection method: clinical testing. Allele origin: germline.
Comment: The c.8013G>A variant (also known as p.V2671V), located in coding exon 54 of the ATM gene, results from a G to A substitution at nucleotide position 8013. This nucleotide substitution does not change the valine at codon 2671. This nucleotide position is not well conserved in available vertebrate species. In silico splice site analysis predicts that this alteration will result in the creation or strengthening of a novel splice acceptor site. Based on the available evidence, the clinical significance of this variant remains unclear.

Labcorp Genetics (formerly Invitae), Labcorp
Classification: Uncertain significance for Ataxia-telangiectasia syndrome. Last evaluated: 2024-03-27. Review status: criteria provided, single submitter. Criteria: Invitae Variant Classification Sherloc (09022015). Collection method: clinical testing. Allele origin: germline.
Comment: This sequence change affects codon 2671 of the ATM mRNA. It is a 'silent' change, meaning that it does not change the encoded amino acid sequence of the ATM protein. This variant is not present in population databases (gnomAD no frequency). This variant has not been reported in the literature in individuals affected with ATM-related conditions. Algorithms developed to predict the effect of sequence changes on RNA splicing suggest that this variant may create or strengthen a splice site. In summary, the available evidence is currently insufficient to determine the role of this variant in disease. Therefore, it has been classified as a Variant of Uncertain Significance.